The following is an entry in ClinVar:

ClinVar aggregate classification (germline): Uncertain significance (1 of 4 stars; one submission).

Conditions:
Hereditary cancer-predisposing syndrome. Also called: Hereditary Cancer Syndrome; Hereditary neoplastic syndrome; Neoplastic Syndromes, Hereditary; Tumor predisposition. Identifiers: Orphanet 140162, MedGen C0027672, MeSH D009386, MONDO:0015356.

Submission:

Ambry Genetics
Classification: Uncertain significance for Hereditary cancer-predisposing syndrome. Last evaluated: 2022-06-28. Review status: criteria provided, single submitter. Criteria: Ambry Variant Classification Scheme 2023. Collection method: clinical testing. Allele origin: germline.
Comment: The p.A449S variant (also known as c.1345G>T), located in coding exon 10 of the APC gene, results from a G to T substitution at nucleotide position 1345. The alanine at codon 449 is replaced by serine, an amino acid with similar properties. This amino acid position is conserved. In addition, in silico predictors for this gene do not accurately predict pathogenicity. Since supporting evidence is limited at this time, the clinical significance of this alteration remains unclear.

NM_000038.6(APC):c.1345G>T (p.Ala449Ser)

Gene: APC (APC regulator of Wnt signaling pathway; plus strand). Cytogenetic location: 5q22.2.
Variant type: single nucleotide variant.
Coding change: c.1345G>T on transcript NM_000038.6 (MANE Select); coding-DNA position 1345, G replaced by T.
Protein change: p.Ala449Ser; replaces alanine 449 with serine.
Molecular consequence: missense variant.
Genome position (GRCh38, 1-based): chr5:112,821,928, G>T. VCF-style: chr5-112821928-G-T. GRCh37 (hg19) VCF-style: chr5-112157625-G-T.
Other names: c.1345G>T, p.Ala449Ser (NM_001127510.3, NM_001354895.2, NM_001354896.2 and 4 more transcripts); c.1291G>T, p.Ala431Ser (NM_001127511.3); c.1375G>T, p.Ala459Ser (NM_001354897.2, NM_001407446.1); c.1270G>T, p.Ala424Ser (NM_001354898.2, NM_001407451.1); c.1261G>T, p.Ala421Ser (NM_001354899.2, NM_001407452.1); c.1168G>T, p.Ala390Ser (NM_001354900.2, NM_001354901.2, NM_001407453.1); c.1072G>T, p.Ala358Ser (NM_001354902.2); c.1042G>T, p.Ala348Ser (NM_001354903.2, NM_001407454.1, NM_001407455.1 and 5 more transcripts); and 5 more; short protein forms A289S, A459S, A65S, A323S, A348S, A449S, A166S, A421S.
Identifiers: ClinVar variation 1770469 (VCV001770469.2), dbSNP rs758535166, ClinGen allele CA16024250.